The following is an entry in ClinVar:

NM_001077365.2(POMT1):c.367G>T (p.Val123Leu)

Gene: POMT1 (protein O-mannosyltransferase 1; plus strand). Cytogenetic location: 9q34.13.
Variant type: single nucleotide variant.
Coding change: c.367G>T on transcript NM_001077365.2 (MANE Select); coding-DNA position 367, G replaced by T.
Protein change: p.Val123Leu; replaces valine 123 with leucine.
Molecular consequence: missense variant. On other transcripts: non-coding transcript variant (9), intron variant (2).
Genome position (GRCh38, 1-based): chr9:131,507,454, G>T. VCF-style: chr9-131507454-G-T. GRCh37 (hg19) VCF-style: chr9-134382841-G-T.
Other names: c.205G>T, p.Val69Leu (NM_001077366.2, NM_001353194.2, NM_001353197.2 and 3 more transcripts); c.367G>T, p.Val123Leu (NM_001136113.2, NM_001353193.2, NM_001374690.1 and 1 more transcripts); c.16G>T, p.Val6Leu (NM_001136114.2, NM_001353195.2, NM_001353199.2 and 2 more transcripts); c.277G>T, p.Val93Leu (NM_001353196.2); c.-29-1457G>T (NM_001374695.1); c.-30+1001G>T (NM_001353200.2); short protein forms V6L, V123L, V69L, V93L.
Identifiers: ClinVar variation 663812 (VCV000663812.9), dbSNP rs1424629668, ClinGen allele CA375306398.
Genomic context (GRCh38, chr9:131,507,454, plus strand): 5'-TCCCTGCGCCTGCTGCCAGCACTCGCGGGGGCCTTGTCGGTCCCCATGGCCTACCAGATA[G>T]TGTTGGAGCTCCACTTTTCTCATTGTGCCGCCATGGGAGCTGCTCTGTTGATGCTTATCG-3'
Protein context (NP_001070833.1, residues 113-133): ALSVPMAYQI[Val123Leu]LELHFSHCAA

ClinVar aggregate classification (germline): Uncertain significance (1 of 4 stars; one submission).

Conditions:
Muscular dystrophy-dystroglycanopathy (congenital with impaired intellectual development), type B, 1. Also called: Muscular dystrophy-dystroglycanopathy (congenital with intellectual disability), type B1; MUSCULAR DYSTROPHY, CONGENITAL, POMT1-RELATED. Identifiers: MedGen C5436962, MONDO:0013159, OMIM 613155.
Autosomal recessive limb-girdle muscular dystrophy type 2K. Also called: MUSCULAR DYSTROPHY-DYSTROGLYCANOPATHY (LIMB-GIRDLE), TYPE C, 1; MUSCULAR DYSTROPHY, LIMB-GIRDLE, TYPE 2K. Identifiers: Orphanet 86812, MedGen C1836373, MONDO:0012248, OMIM 609308.
Walker-Warburg congenital muscular dystrophy. Also called: Muscular dystrophy-dystroglycanopathy, type A; Walker-Warburg syndrome. Identifiers: Orphanet 899, MedGen C0265221, MONDO:0000171.

Allele frequency attached by ClinVar (database versions not stated): gnomAD exomes 0.00001 and below 0.00001; gnomAD 0.00007; TOPMed 0.00002.
gnomAD v4.1: 12 of 1,614,086 alleles (0.00074%); highest among the groups gnomAD compares: Admixed American, 0.02%; no homozygotes.

Submission:

Labcorp Genetics (formerly Invitae), Labcorp
Classification: Uncertain significance for Muscular dystrophy-dystroglycanopathy (congenital with impaired intellectual development), type B, 1; Walker-Warburg congenital muscular dystrophy; Autosomal recessive limb-girdle muscular dystrophy type 2K. Last evaluated: 2018-10-18. Review status: criteria provided, single submitter. Criteria: Invitae Variant Classification Sherloc (09022015). Collection method: clinical testing. Allele origin: germline.
Comment: In summary, the available evidence is currently insufficient to determine the role of this variant in disease. Therefore, it has been classified as a Variant of Uncertain Significance. Algorithms developed to predict the effect of missense changes on protein structure and function output the following: SIFT: "Tolerated"; PolyPhen-2: "Benign"; Align-GVGD: "Class C0". The leucine amino acid residue is found in multiple mammalian species, suggesting that this missense change does not adversely affect protein function. These predictions have not been confirmed by published functional studies and their clinical significance is uncertain. This variant has not been reported in the literature in individuals with POMT1-related disease. This variant is not present in population databases (ExAC no frequency). This sequence change replaces valine with leucine at codon 123 of the POMT1 protein (p.Val123Leu). The valine residue is moderately conserved and there is a small physicochemical difference between valine and leucine.